The following is an entry in ClinVar:

ClinVar aggregate classification (germline): Conflicting classifications of pathogenicity. Review status: criteria provided, conflicting classifications (1 of 4 stars). 6 submissions from 6 submitters: Uncertain significance (4); Likely benign (2). Last evaluated 2025-10-22.

Conditions:
MYPN-related myopathy (CMYO24). Also called: Nemaline myopathy 11, autosomal recessive. Identifiers: MedGen C4479186, MONDO:0015023, OMIM 617336.
Dilated cardiomyopathy 1KK (CMD1KK). Identifiers: Orphanet 154, Orphanet 75249, MedGen C3714995, MONDO:0014100, OMIM 615248.
Cardiovascular phenotype. Identifiers: MedGen CN230736.
MYPN-related disorder. Also called: MYPN-related condition.

Allele frequency attached by ClinVar (database versions not stated): TOPMed 0.00007; gnomAD 0.00011 and 0.00012; ExAC 0.00003; gnomAD exomes 0.00005.

Submissions (6):

PreventionGenetics, part of Exact Sciences
Classification: Uncertain significance for MYPN-related condition. Last evaluated: 2025-10-22. Review status: criteria provided, single submitter. Criteria: ACMG Guidelines, 2015. Collection method: clinical testing. Allele origin: germline.
Comment: The MYPN c.3913A>G variant is predicted to result in the amino acid substitution p.Met1305Val. This variant has been reported in individuals with dilated cardiomyopathy (Table S1, Dal Ferro et al. 2017. PubMed ID: 28416588; Table S5, Perret et al. 2023. PubMed ID: 37904629) and in an individual with pediatric cardiomyopathy (Table S4, Kühnisch et al. 2019. PubMed ID: 31568572). This variant is reported in 0.012% of alleles in individuals of European (Non-Finnish) descent in gnomAD and has conflicting interpretations regarding its pathogenicity in ClinVar, ranging from likely benign to uncertain (Variation ID: 180453). At this time, the clinical significance of this variant is uncertain due to the absence of conclusive functional and genetic evidence.

CeGaT Center for Human Genetics Tuebingen
Classification: Uncertain significance. Last evaluated: 2025-09-01. Review status: criteria provided, single submitter. Criteria: CeGaT Center For Human Genetics Tuebingen Variant Classification Criteria Version 2. Collection method: clinical testing. Allele origin: germline. Affected: yes. Observed: 3 variant alleles.
Comment: MYPN: PM2:Supporting, BP4

Blueprint Genetics
Classification: Likely benign. Last evaluated: 2024-11-06. Review status: criteria provided, single submitter. Criteria: ACMG Guidelines, 2015. Collection method: clinical testing. Allele origin: germline.

Labcorp Genetics (formerly Invitae), Labcorp
Classification: Uncertain significance for Dilated cardiomyopathy 1KK. Last evaluated: 2024-10-18. Review status: criteria provided, single submitter. Criteria: Invitae Variant Classification Sherloc (09022015). Collection method: clinical testing. Allele origin: germline.
Comment: This sequence change replaces methionine, which is neutral and non-polar, with valine, which is neutral and non-polar, at codon 1305 of the MYPN protein (p.Met1305Val). This variant is present in population databases (rs730880170, gnomAD 0.01%). This missense change has been observed in individual(s) with dilated cardiomyopathy (PMID: 28416588). ClinVar contains an entry for this variant (Variation ID: 180453). An algorithm developed to predict the effect of missense changes on protein structure and function outputs the following: PolyPhen-2: "Benign". The valine amino acid residue is found in multiple mammalian species, which suggests that this missense change does not adversely affect protein function. In summary, the available evidence is currently insufficient to determine the role of this variant in disease. Therefore, it has been classified as a Variant of Uncertain Significance.

Ambry Genetics
Classification: Likely benign for Cardiovascular phenotype. Last evaluated: 2024-06-06. Review status: criteria provided, single submitter. Criteria: Ambry Variant Classification Scheme 2023. Collection method: clinical testing. Allele origin: germline.

Fulgent Genetics
Classification: Uncertain significance for Dilated cardiomyopathy 1KK; MYPN-related myopathy. Last evaluated: 2021-08-20. Review status: criteria provided, single submitter. Criteria: ACMG Guidelines, 2015. Collection method: clinical testing. Allele origin: unknown.

Literature cited by the submitters: PubMed 28416588 (cited by Labcorp Genetics (formerly Invitae), Labcorp and Ambry Genetics); PubMed 31568572 (cited by Ambry Genetics); PubMed 37904629 (cited by Ambry Genetics).

NM_032578.4(MYPN):c.3913A>G (p.Met1305Val)

Gene: MYPN (myopalladin; plus strand). Cytogenetic location: 10q21.3.
Variant type: single nucleotide variant.
Coding change: c.3913A>G on transcript NM_032578.4 (MANE Select); coding-DNA position 3913, A replaced by G.
Protein change: p.Met1305Val; replaces methionine 1305 with valine.
Molecular consequence: missense variant. On other transcripts: non-coding transcript variant (2).
Genome position (GRCh38, 1-based): chr10:68,210,405, A>G. VCF-style: chr10-68210405-A-G. GRCh37 (hg19) VCF-style: chr10-69970162-A-G.
Other names: c.3913A>G, p.Met1305Val (NM_001256267.2); c.3031A>G, p.Met1011Val (NM_001256268.2); short protein forms M1305V, M1011V.
Identifiers: ClinVar variation 180453 (VCV000180453.50), dbSNP rs730880170, ClinGen allele CA346545.